The following is an entry in ClinVar:

ClinVar aggregate classification (germline): Likely benign (0 of 4 stars; one submission).

Conditions:
EP300-related disorder. Also called: EP300-related disorders; EP300-related condition.

Allele frequency attached by ClinVar (database versions not stated): ExAC 0.00002; gnomAD exomes 0.00002.

Submission:

PreventionGenetics, part of Exact Sciences
Classification: Likely benign for EP300-related condition. Last evaluated: 2022-06-15. Review status: no assertion criteria provided. Collection method: clinical testing. Allele origin: germline.
Comment: This variant is classified as likely benign based on ACMG/AMP sequence variant interpretation guidelines (Richards et al. 2015 PMID: 25741868, with internal and published modifications).

NM_001429.4(EP300):c.6720A>G (p.Gly2240=)

Gene: EP300 (E1A binding protein p300; plus strand). Cytogenetic location: 22q13.2.
Variant type: single nucleotide variant.
Coding change: c.6720A>G on transcript NM_001429.4 (MANE Select); coding-DNA position 6720, A replaced by G.
Protein change: p.Gly2240=; no amino-acid change (glycine 2240 retained).
Molecular consequence: synonymous variant.
Genome position (GRCh38, 1-based): chr22:41,178,431, A>G. VCF-style: chr22-41178431-A-G. GRCh37 (hg19) VCF-style: chr22-41574435-A-G.
Other names: c.6642A>G, p.Gly2214= (NM_001362843.2).
Identifiers: ClinVar variation 3031854 (VCV003031854.2), dbSNP rs753617318, ClinGen allele CA10253940.